The following is an entry in ClinVar:

ClinVar aggregate classification (germline): Conflicting classifications of pathogenicity. Review status: criteria provided, conflicting classifications (1 of 4 stars). 4 submissions from 4 submitters: Pathogenic (2); Likely pathogenic (1); Uncertain significance (1). Last evaluated 2025-06-04.

Conditions:
Intellectual disability, autosomal dominant 24 (VSVS). Also called: VULTO-VAN SILFHOUT-DE VRIES SYNDROME. Identifiers: MedGen C4014414, MONDO:0014357, OMIM 615828.

Submissions (4):

Variantyx, Inc.
Classification: Likely pathogenic for Intellectual disability, autosomal dominant 24. Last evaluated: 2025-06-04. Review status: criteria provided, single submitter. Criteria: Variantyx Assertion Criteria 2022. Collection method: clinical testing. Allele origin: de novo. Inheritance: Autosomal dominant inheritance. Affected: yes.
Comment: This is a nonsynonymous variant in the DEAF1 gene (OMIM: 602635). Pathogenic variants in this gene have been associated with autosomal dominant Vulto-van Silfout-de Vries syndrome. This variant lies within a known hotspot for pathogenic variants or a well-established critical functional domain of the DEAF1 protein (PMID:35981081) (PM1_Supporting). This variant is absent from control populations (PM2). Computational algorithms produce conflicting evidence regarding the predicted functional impact of this variant (REVEL score: 0.57). Based on the current evidence, this variant is classified as likely pathogenic for autosomal dominant Vulto-van Silfout-de Vries syndrome. This variant was reported by previous genetic testing.

GeneDx
Classification: Pathogenic. Last evaluated: 2025-05-09. Review status: criteria provided, single submitter. Criteria: GeneDx Variant Classification Process June 2021. Collection method: clinical testing. Allele origin: germline. Affected: yes.
Comment: Not observed at significant frequency in large population cohorts (gnomAD); Has not been previously published as pathogenic or benign to our knowledge; In silico analysis supports that this missense variant has a deleterious effect on protein structure/function

Labcorp Genetics (formerly Invitae), Labcorp
Classification: Pathogenic. Last evaluated: 2024-07-01. Review status: criteria provided, single submitter. Criteria: Invitae Variant Classification Sherloc (09022015). Collection method: clinical testing. Allele origin: germline.
Comment: This sequence change replaces cysteine, which is neutral and slightly polar, with tryptophan, which is neutral and slightly polar, at codon 279 of the DEAF1 protein (p.Cys279Trp). This variant is not present in population databases (gnomAD no frequency). This missense change has been observed in individual(s) with autosomal dominant DEAF1-related conditions (Invitae). In at least one individual the variant was observed to be de novo. ClinVar contains an entry for this variant (Variation ID: 2041708). Advanced modeling of protein sequence and biophysical properties (such as structural, functional, and spatial information, amino acid conservation, physicochemical variation, residue mobility, and thermodynamic stability) performed at Invitae indicates that this missense variant is expected to disrupt DEAF1 protein function with a positive predictive value of 95%. For these reasons, this variant has been classified as Pathogenic.

Blueprint Genetics
Classification: Uncertain significance. Last evaluated: 2022-12-21. Review status: criteria provided, single submitter. Criteria: ACMG Guidelines, 2015. Collection method: clinical testing. Allele origin: germline.

Literature cited by the submitters: PubMed 35981081 (cited by Variantyx, Inc.).

NM_021008.4(DEAF1):c.837C>G (p.Cys279Trp)

Gene: DEAF1 (DEAF1 transcription factor; minus strand). Cytogenetic location: 11p15.5.
Variant type: single nucleotide variant.
Coding change: c.837C>G on transcript NM_021008.4 (MANE Select); coding-DNA position 837, C replaced by G.
Protein change: p.Cys279Trp; replaces cysteine 279 with tryptophan.
Molecular consequence: missense variant.
Genome position (GRCh38, 1-based): chr11:684,931, G>C on the plus strand (C>G on the coding strand, the complement: DEAF1 is on the minus strand). VCF-style: chr11-684931-G-C. GRCh37 (hg19) VCF-style: chr11-684931-G-C.
Other names: c.697C>G, p.His233Asp (NM_001293634.2); c.111C>G, p.Cys37Trp (NM_001367390.1); short protein forms C279W, H233D, C37W.
Identifiers: ClinVar variation 2041708 (VCV002041708.8), dbSNP rs1860525205, ClinGen allele CA378930038.